The following is an entry in ClinVar:

ClinVar aggregate classification (germline): Likely benign (1 of 4 stars; one submission).

gnomAD v4.1: 102 of 1,598,286 alleles (0.0064%); highest among the groups gnomAD compares: Admixed American, 0.086%; no homozygotes.

Submission:

CeGaT Center for Human Genetics Tuebingen
Classification: Likely benign. Last evaluated: 2026-06-01. Review status: criteria provided, single submitter. Criteria: CeGaT Center For Human Genetics Tuebingen Variant Classification Criteria Version 2. Collection method: clinical testing. Allele origin: germline. Affected: yes. Observed: 1 variant allele.
Comment: KIF26A: BP4, BP7

NM_015656.2(KIF26A):c.2595C>T (p.Asp865=)

Gene: KIF26A (kinesin family member 26A; plus strand). Cytogenetic location: 14q32.33.
Variant type: single nucleotide variant.
Coding change: c.2595C>T on transcript NM_015656.2 (MANE Select); coding-DNA position 2595, C replaced by T.
Protein change: p.Asp865=; no amino-acid change (aspartic acid 865 retained).
Molecular consequence: synonymous variant.
Genome position (GRCh38, 1-based): chr14:104,175,383, C>T. VCF-style: chr14-104175383-C-T. GRCh37 (hg19) VCF-style: chr14-104641720-C-T.
Identifiers: ClinVar variation 4872922 (VCV004872922.2).